The following is an entry in ClinVar:

NM_000059.4(BRCA2):c.2588A>G (p.Asn863Ser)

Gene: BRCA2 (BRCA2 DNA repair associated; plus strand). Cytogenetic location: 13q13.1.
Variant type: single nucleotide variant.
Coding change: c.2588A>G on transcript NM_000059.4 (MANE Select); coding-DNA position 2588, A replaced by G.
Protein change: p.Asn863Ser; replaces asparagine 863 with serine.
Molecular consequence: missense variant.
Genome position (GRCh38, 1-based): chr13:32,336,943, A>G. VCF-style: chr13-32336943-A-G. GRCh37 (hg19) VCF-style: chr13-32911080-A-G.
Other names: c.2588A>G (NM_000059.3); short protein forms N863S.
Identifiers: ClinVar variation 1500196 (VCV001500196.9), dbSNP rs760880622, ClinGen allele CA6940615.

ClinVar aggregate classification (germline): Conflicting classifications of pathogenicity. Review status: criteria provided, conflicting classifications (1 of 4 stars). 3 submissions from 3 submitters: Uncertain significance (2); Likely benign (1). Last evaluated 2024-05-26.

Conditions:
Hereditary cancer-predisposing syndrome. Also called: Tumor predisposition; Hereditary neoplastic syndrome; Neoplastic Syndromes, Hereditary; Hereditary Cancer Syndrome. Identifiers: Orphanet 140162, MedGen C0027672, MeSH D009386, MONDO:0015356.
Hereditary breast ovarian cancer syndrome. Also called: BRCA1- and BRCA2-Associated Hereditary Breast and Ovarian Cancer; Hereditary breast and ovarian cancer; Hereditary breast and/or ovarian cancer syndrome; Hereditary breast and ovarian cancer syndrome; Hereditary breast and ovarian cancer syndrome (HBOC); Breast and ovarian cancer. Identifiers: Orphanet 145, MedGen C0677776, MeSH D061325, MONDO:0003582. Disease mechanism: loss of function.

Allele frequency attached by ClinVar (database versions not stated): gnomAD exomes below 0.00001; ExAC 0.00001.
gnomAD v4.1: 2 of 1,589,540 alleles (0.00013%); highest among the groups gnomAD compares: African/African-American, 0.0027%; no homozygotes.

Submissions (3):

Labcorp Genetics (formerly Invitae), Labcorp
Classification: Uncertain significance for Hereditary breast ovarian cancer syndrome. Last evaluated: 2024-05-26. Review status: criteria provided, single submitter. Criteria: Invitae Variant Classification Sherloc (09022015). Collection method: clinical testing. Allele origin: germline.
Comment: This sequence change replaces asparagine, which is neutral and polar, with serine, which is neutral and polar, at codon 863 of the BRCA2 protein (p.Asn863Ser). This variant is present in population databases (rs760880622, gnomAD 0.006%). This variant has not been reported in the literature in individuals affected with BRCA2-related conditions. ClinVar contains an entry for this variant (Variation ID: 1500196). Advanced modeling of protein sequence and biophysical properties (such as structural, functional, and spatial information, amino acid conservation, physicochemical variation, residue mobility, and thermodynamic stability) performed at Invitae indicates that this missense variant is not expected to disrupt BRCA2 protein function with a negative predictive value of 95%. In summary, the available evidence is currently insufficient to determine the role of this variant in disease. Therefore, it has been classified as a Variant of Uncertain Significance.

University of Washington Department of Laboratory Medicine, University of Washington
Classification: Likely benign for Hereditary cancer-predisposing syndrome. Last evaluated: 2023-03-23. Review status: criteria provided, single submitter. Criteria: Dines et al. (Genet Med. 2020). Collection method: curation. Allele origin: germline.
Comment: Missense variant in a coldspot region where missense variants are very unlikely to be pathogenic (PMID:31911673).

BRCA2 exon 11 coldspot. Reclassification based on statistical prior probability.

Ambry Genetics
Classification: Uncertain significance for Hereditary cancer-predisposing syndrome. Last evaluated: 2022-11-18. Review status: criteria provided, single submitter. Criteria: Ambry Variant Classification Scheme 2023. Collection method: clinical testing. Allele origin: germline.
Comment: The p.N863S variant (also known as c.2588A>G), located in coding exon 10 of the BRCA2 gene, results from an A to G substitution at nucleotide position 2588. The asparagine at codon 863 is replaced by serine, an amino acid with highly similar properties. This variant was observed in an individual with early onset-breast cancer amongst a cohort of 1781 non-Ashkenazi Jewish individuals undergoing BRCA1/2 gene testing based on a personal history of breast cancer (Tung N et al. Cancer, 2015 Jan;121:25-33). This amino acid position is poorly conserved in available vertebrate species. In addition, this alteration is predicted to be tolerated by in silico analysis. Since supporting evidence is limited at this time, the clinical significance of this alteration remains unclear.

Literature cited by the submitters: PubMed 25186627 (cited by Ambry Genetics).